The following is an entry in ClinVar:

NM_000516.7(GNAS):c.257+965A>G

Gene: GNAS (GNAS complex locus; plus strand). Cytogenetic location: 20q13.32.
Variant type: single nucleotide variant.
Coding change: c.257+965A>G on transcript NM_000516.7 (MANE Select); 965 bases into the intron after coding-DNA position 257, A replaced by G.
Molecular consequence: intron variant. On other transcripts: non-coding transcript variant (2), missense variant (1), 3 prime UTR variant (1).
Genome position (GRCh38, 1-based): chr20:58,899,950, A>G. VCF-style: chr20-58899950-A-G. GRCh37 (hg19) VCF-style: chr20-57475005-A-G.
Other names: c.*160+965A>G (NM_016592.5); c.161+965A>G (NM_001410912.1); c.80+965A>G (NM_001309861.2, NM_001309840.2); c.*118+965A>G (NM_001077490.3); c.2186+965A>G (NM_080425.4); c.2142-3581A>G (NM_001410913.1); c.257+965A>G (NM_001077488.5); c.213-3578A>G (NM_080426.4); and 3 more; short protein forms I87V.
Identifiers: ClinVar variation 3351253 (VCV003351253.2).

ClinVar aggregate classification (germline): Uncertain significance (1 of 4 stars; one submission).

Conditions:
GNAS-related disorder. Identifiers: MedGen CN380105.

gnomAD v4.1: 7 of 717,788 alleles (0.00098%); highest among the groups gnomAD compares: African/African-American, 0.0017%; no homozygotes.

Submission:

PreventionGenetics, part of Exact Sciences
Classification: Uncertain significance for GNAS-related condition. Last evaluated: 2025-04-22. Review status: criteria provided, single submitter. Criteria: ACMG Guidelines, 2015. Collection method: clinical testing. Allele origin: germline.
Comment: The GNAS c.259A>G variant is predicted to result in the amino acid substitution p.Ile87Val. This variant can also be referred to as intronic c.257+965A>G variant with alternative transcript NM_000516. To our knowledge, this variant has not been reported in the literature. This variant is reported in 0.0042% of alleles in individuals of European (Non-Finnish) descent in gnomAD. At this time, the clinical significance of this variant is uncertain due to the absence of conclusive functional and genetic evidence.